The following is an entry in ClinVar:

ClinVar aggregate classification (germline): Pathogenic (1 of 4 stars; one submission).

Submission:

Quest Diagnostics Nichols Institute San Juan Capistrano
Classification: Pathogenic. Last evaluated: 2022-03-10. Review status: criteria provided, single submitter. Criteria: ACMG/ClinGen CNV Guidelines, 2019. Collection method: clinical testing. Allele origin: unknown.
Comment: The 1q21.1q21.2 deletion is consistent with the 1q21.1 deletion syndrome (OMIM 612474). De novo and inherited deletions and duplications of this locus have been associated with a broad range of features including developmental delay, congenital anomalies such as_x000D__x000D_ heart defects, dysmorphic features, microcephaly, and neurodevelopmental problems (Bernier et al. Genet Med. 2016;18:341-349. PMID: 26066539; Mefford HC et al., N Engl J Med 2008; 359:1685-99, PMID: 18784092; Brunetti-Pierri N et al., Nat Genet. 2008;40:1466-71, PMID: 19029900; Digilio et al., Eur J Med Genet. 2013 Mar;56(3):144-9. PMID: 23270675. GeneReviews ). Of note, the 1q21.1 critical region spans approximately 1.35 Mb and involves at least 12 genes, among which include: PRKAB2, FMO5, CHD1L, BCL9, ACP6, GJA5, GJA8, GPR89B (Buse et al. Ital J Pediatr. 2017 Jul 19;43(1):61. PMID: 28724436). In addition, incomplete penetrance and variable expressivity are also features of 1q21.1 recurrent microdeletions (Haldeman-Englert et al. Gene Reviews. 2015. PMID: 21348049).

GRCh37/hg19 1q21.1-21.2(chr1:145074728-148832359)x1

Genes: ACP6 (acid phosphatase 6, lysophosphatidic; minus strand), ANKRD34A (ankyrin repeat domain 34A; minus strand), ANKRD35 (ankyrin repeat domain 35; minus strand), BCL9 (BCL9 transcription coactivator; plus strand), CD160 (CD160 molecule; plus strand) and 29 more. Cytogenetic location: 1q21.1-21.2.
Variant type: copy number loss.
Change: copy number 1 (one copy instead of two) of chr1:145,074,728-148,832,359 (3.76 Mb, GRCh37 coordinates, 1-based), cytogenetic band 1q21.1-21.2.
Identifiers: ClinVar variation 1808743 (VCV001808743.1).